The following is an entry in ClinVar:

NM_001197104.2(KMT2A):c.38C>A (p.Pro13His)

Gene: KMT2A (lysine methyltransferase 2A; plus strand). Cytogenetic location: 11q23.3.
Variant type: single nucleotide variant.
Coding change: c.38C>A on transcript NM_001197104.2 (MANE Select); coding-DNA position 38, C replaced by A.
Protein change: p.Pro13His; replaces proline 13 with histidine.
Molecular consequence: missense variant.
Genome position (GRCh38, 1-based): chr11:118,436,550, C>A. VCF-style: chr11-118436550-C-A. GRCh37 (hg19) VCF-style: chr11-118307265-C-A.
Other names: c.38C>A, p.Pro13His (NM_001412597.1, NM_005933.4); short protein forms P13H.
Identifiers: ClinVar variation 4755675 (VCV004755675.1).

ClinVar aggregate classification (germline): Uncertain significance (1 of 4 stars; one submission).

Submission:

GeneDx
Classification: Uncertain significance. Last evaluated: 2025-08-07. Review status: criteria provided, single submitter. Criteria: GeneDx Variant Classification Process June 2021. Collection method: clinical testing. Allele origin: germline. Affected: yes.
Comment: Not observed at significant frequency in large population cohorts (gnomAD); In silico analysis supports that this missense variant has a deleterious effect on protein structure/function; Has not been previously published as pathogenic or benign to our knowledge